The following is an entry in ClinVar:

NM_006206.6(PDGFRA):c.2504G>A (p.Cys835Tyr)

Gene: PDGFRA (platelet derived growth factor receptor alpha; plus strand). Cytogenetic location: 4q12.
Variant type: single nucleotide variant.
Coding change: c.2504G>A on transcript NM_006206.6 (MANE Select); coding-DNA position 2504, G replaced by A.
Protein change: p.Cys835Tyr; replaces cysteine 835 with tyrosine.
Molecular consequence: missense variant.
Genome position (GRCh38, 1-based): chr4:54,285,905, G>A. VCF-style: chr4-54285905-G-A. GRCh37 (hg19) VCF-style: chr4-55152072-G-A.
Other names: c.2579G>A, p.Cys860Tyr (NM_001347828.2); c.2504G>A, p.Cys835Tyr (NM_001347829.2); c.2543G>A, p.Cys848Tyr (NM_001347830.2); short protein forms C835Y, C848Y, C860Y.
Identifiers: ClinVar variation 5026388 (VCV005026388.1).

ClinVar aggregate classification (germline): Uncertain significance (1 of 4 stars; one submission).

Conditions:
Hereditary cancer-predisposing syndrome. Also called: Neoplastic Syndromes, Hereditary; Tumor predisposition; Hereditary neoplastic syndrome; Hereditary Cancer Syndrome. Identifiers: Orphanet 140162, MedGen C0027672, MeSH D009386, MONDO:0015356.

Submission:

Ambry Genetics
Classification: Uncertain significance for Hereditary cancer-predisposing syndrome. Last evaluated: 2026-07-06. Review status: criteria provided, single submitter. Criteria: Ambry Variant Classification Scheme 2023. Collection method: clinical testing. Allele origin: germline.
Comment: The p.C835Y variant (also known as c.2504G>A), located in coding exon 17 of the PDGFRA gene, results from a G to A substitution at nucleotide position 2504. The cysteine at codon 835 is replaced by tyrosine, an amino acid with highly dissimilar properties. This amino acid position is conserved. In addition, this alteration is predicted to be deleterious by in silico analysis. Based on the available evidence, the clinical significance of this variant remains unclear.